The following is an entry in ClinVar:

NM_052947.4(ALPK2):c.6314G>A (p.Gly2105Asp)

Gene: ALPK2 (alpha kinase 2; minus strand). Cytogenetic location: 18q21.31.
Variant type: single nucleotide variant.
Coding change: c.6314G>A on transcript NM_052947.4 (MANE Select); coding-DNA position 6314, G replaced by A.
Protein change: p.Gly2105Asp; replaces glycine 2105 with aspartic acid.
Molecular consequence: missense variant.
Genome position (GRCh38, 1-based): chr18:58,482,022, C>T on the plus strand (G>A on the coding strand, the complement: ALPK2 is on the minus strand). VCF-style: chr18-58482022-C-T. GRCh37 (hg19) VCF-style: chr18-56149254-C-T.
Other names: short protein forms G2105D.
Identifiers: ClinVar variation 3228851 (VCV003228851.1), dbSNP rs746992315, ClinGen allele CA402538768.
Genomic context (GRCh38, chr18:58,482,022, plus strand): 5'-CAATACTTGTTACACTGGTGTAGTGCTTTAAACTGATCAATGAAGGTCATGGAACAGTTG[C>T]CTTTAAATCCCTTGTACCTGTGAGTTTGGGTGGAAGGAAACATAGCTTTTAAAAACAGGA-3'
Protein context (NP_443179.3, residues 2095-2115): TLAKGYKGFK[Gly2105Asp]NCSMTFIDQF

ClinVar aggregate classification (germline): Uncertain significance (1 of 4 stars; one submission).

gnomAD v4.1: 3 of 1,613,736 alleles (0.00019%); highest among the groups gnomAD compares: Non-Finnish European, 0.000085%; no homozygotes.

Submission:

Ambry Genetics
Classification: Uncertain significance. Last evaluated: 2024-01-25. Review status: criteria provided, single submitter. Criteria: Ambry Variant Classification Scheme 2023. Collection method: clinical testing. Allele origin: germline.
Comment: The p.G2105D variant (also known as c.6314G>A), located in coding exon 12 of the ALPK2 gene, results from a G to A substitution at nucleotide position 6314. The glycine at codon 2105 is replaced by aspartic acid, an amino acid with similar properties. This amino acid position is conserved. In addition, this alteration is predicted to be tolerated by in silico analysis. Based on the available evidence, the clinical significance of this alteration remains unclear.